The following is an entry in ClinVar:

NM_025103.4(IFT74):c.727-9T>C

Gene: IFT74 (intraflagellar transport 74; plus strand). Cytogenetic location: 9p21.2.
Variant type: single nucleotide variant.
Coding change: c.727-9T>C on transcript NM_025103.4 (MANE Select); 9 bases into the intron before coding-DNA position 727, T replaced by C.
Molecular consequence: intron variant.
Genome position (GRCh38, 1-based): chr9:27,011,897, T>C. VCF-style: chr9-27011897-T-C. GRCh37 (hg19) VCF-style: chr9-27011895-T-C.
Other names: c.727-9T>C (NM_001099223.3, NM_001099222.3, NM_001349928.2 and 1 more transcripts).
Identifiers: ClinVar variation 3344323 (VCV003344323.1).

ClinVar aggregate classification (germline): Likely benign (0 of 4 stars; one submission).

Conditions:
IFT74-related disorder. Also called: IFT74-related condition; IFT74-Related Disorders.

gnomAD v4.1: 6 of 1,530,074 alleles (0.00039%); highest among the groups gnomAD compares: Non-Finnish European, 0.00053%; no homozygotes.

Submission:

PreventionGenetics, part of Exact Sciences
Classification: Likely benign for IFT74-related condition. Last evaluated: 2024-03-27. Review status: no assertion criteria provided. Collection method: clinical testing. Allele origin: germline.
Comment: This variant is classified as likely benign based on ACMG/AMP sequence variant interpretation guidelines (Richards et al. 2015 PMID: 25741868, with internal and published modifications).